The following is an entry in ClinVar:

ClinVar aggregate classification (germline): Uncertain significance (1 of 4 stars; one submission).

Conditions:
Fanconi anemia (FA). Also called: Fanconi's anemia. Identifiers: Orphanet 84, MedGen C0015625, MeSH D005199, MONDO:0019391.

Submission:

Labcorp Genetics (formerly Invitae), Labcorp
Classification: Uncertain significance for Fanconi anemia. Last evaluated: 2024-11-19. Review status: criteria provided, single submitter. Criteria: Invitae Variant Classification Sherloc (09022015). Collection method: clinical testing. Allele origin: germline.
Comment: This sequence change replaces valine, which is neutral and non-polar, with phenylalanine, which is neutral and non-polar, at codon 1497 of the FANCM protein (p.Val1497Phe). This variant is not present in population databases (gnomAD no frequency). This variant has not been reported in the literature in individuals affected with FANCM-related conditions. An algorithm developed to predict the effect of missense changes on protein structure and function (PolyPhen-2) suggests that this variant is likely to be disruptive. In summary, the available evidence is currently insufficient to determine the role of this variant in disease. Therefore, it has been classified as a Variant of Uncertain Significance.

NM_020937.4(FANCM):c.4489G>T (p.Val1497Phe)

Gene: FANCM (FA complementation group M; plus strand). Cytogenetic location: 14q21.2.
Variant type: single nucleotide variant.
Coding change: c.4489G>T on transcript NM_020937.4 (MANE Select); coding-DNA position 4489, G replaced by T.
Protein change: p.Val1497Phe; replaces valine 1497 with phenylalanine.
Molecular consequence: missense variant.
Genome position (GRCh38, 1-based): chr14:45,183,876, G>T. VCF-style: chr14-45183876-G-T. GRCh37 (hg19) VCF-style: chr14-45653079-G-T.
Other names: c.4411G>T, p.Val1471Phe (NM_001308133.2); short protein forms V1471F, V1497F.
Identifiers: ClinVar variation 3677472 (VCV003677472.2).
Genomic context (GRCh38, chr14:45,183,876, plus strand): 5'-CCATGTTCACAATTAGAAGACTTCAAGGTTTGTAACGGGAATGCCAGAAGAGGCATCAAA[G>T]TCCCAAAGAGACAGAGTCACTTAAAGGTAATCTTTTTTTTAGTTTCTTTAAATATGTATG-3'
Protein context (NP_065988.1, residues 1487-1507): CNGNARRGIK[Val1497Phe]PKRQSHLKHV